The following is an entry in ClinVar:

ClinVar aggregate classification (germline): Uncertain significance. Review status: criteria provided, multiple submitters, no conflicts (2 of 4 stars). 2 submissions from 2 submitters: Uncertain significance (2). Last evaluated 2023-10-24.

Conditions:
Hereditary cancer-predisposing syndrome. Also called: Hereditary neoplastic syndrome; Neoplastic Syndromes, Hereditary; Tumor predisposition; Hereditary Cancer Syndrome. Identifiers: Orphanet 140162, MedGen C0027672, MeSH D009386, MONDO:0015356.

Allele frequency attached by ClinVar (database versions not stated): gnomAD exomes below 0.00001; gnomAD 0.00001; TOPMed 0.00002.

Submissions (2):

Ambry Genetics
Classification: Uncertain significance for Hereditary cancer-predisposing syndrome. Last evaluated: 2023-10-24. Review status: criteria provided, single submitter. Criteria: Ambry Variant Classification Scheme 2023. Collection method: clinical testing. Allele origin: germline.
Comment: The p.P225S variant (also known as c.673C>T), located in coding exon 3 of the XRCC2 gene, results from a C to T substitution at nucleotide position 673. The proline at codon 225 is replaced by serine, an amino acid with similar properties. This amino acid position is conserved. In addition, this alteration is predicted to be tolerated by in silico analysis. Since supporting evidence is limited at this time, the clinical significance of this alteration remains unclear.

Labcorp Genetics (formerly Invitae), Labcorp
Classification: Uncertain significance. Last evaluated: 2017-06-25. Review status: criteria provided, single submitter. Criteria: Invitae Variant Classification Sherloc (09022015). Collection method: clinical testing. Allele origin: germline.
Comment: This variant is not present in population databases (ExAC no frequency). This sequence change replaces proline with serine at codon 225 of the XRCC2 protein (p.Pro225Ser). The proline residue is highly conserved and there is a moderate physicochemical difference between proline and serine. This variant has not been reported in the literature in individuals with XRCC2-related disease. Algorithms developed to predict the effect of missense changes on protein structure and function (SIFT, PolyPhen-2, Align-GVGD) all suggest that this variant is likely to be disruptive, but these predictions have not been confirmed by published functional studies and their clinical significance is uncertain. In summary, the available evidence is currently insufficient to determine the role of this variant in disease. Therefore, it has been classified as a Variant of Uncertain Significance.

NM_005431.2(XRCC2):c.673C>T (p.Pro225Ser)

Gene: XRCC2 (X-ray repair cross complementing 2; minus strand). Cytogenetic location: 7q36.1.
Variant type: single nucleotide variant.
Coding change: c.673C>T on transcript NM_005431.2 (MANE Select); coding-DNA position 673, C replaced by T.
Protein change: p.Pro225Ser; replaces proline 225 with serine.
Molecular consequence: missense variant.
Genome position (GRCh38, 1-based): chr7:152,648,812, G>A on the plus strand (C>T on the coding strand, the complement: XRCC2 is on the minus strand). VCF-style: chr7-152648812-G-A. GRCh37 (hg19) VCF-style: chr7-152345897-G-A.
Other names: short protein forms P225S.
Identifiers: ClinVar variation 1005234 (VCV001005234.11), dbSNP rs923397112, ClinGen allele CA169486942.
Genomic context (GRCh38, chr7:152,648,812, plus strand): 5'-CTTGTTTGGAGAAAAACATCCTGTGCTTCACCAGTTGCTGCCATGCCTTACAGAGATAAG[G>A]TCTGTAGTCTATGTCCACATCACACAGTCGTCGAGAGGCATGAGAAGGTTCTTCTGATGA-3'
Protein context (NP_005422.1, residues 215-235): RLCDVDIDYR[Pro225Ser]YLCKAWQQLV